The following is an entry in ClinVar:

NC_000012.12:g.40480581T>C

Gene: MUC19 (mucin 19, oligomeric (gene/pseudogene); plus strand). Cytogenetic location: 12q12.
Variant type: single nucleotide variant.
Genome position: GRCh38 VCF-style: chr12-40480581-T-C. GRCh37 (hg19) VCF-style: chr12-40874383-T-C.
Identifiers: ClinVar variation 2642866 (VCV002642866.24), dbSNP rs149170137, ClinGen allele CA6515793.

ClinVar aggregate classification (germline): Likely benign (1 of 4 stars; one submission).

Allele frequency attached by ClinVar (database versions not stated): 1000 Genomes Project 30x 0.00344; 1000 Genomes Project 0.00359; TOPMed 0.00563; gnomAD 0.00572; gnomAD exomes 0.00886.

Submission:

CeGaT Center for Human Genetics Tuebingen
Classification: Likely benign. Last evaluated: 2023-02-01. Review status: criteria provided, single submitter. Criteria: CeGaT Center For Human Genetics Tuebingen Variant Classification Criteria Version 2. Collection method: clinical testing. Allele origin: germline. Affected: yes. Observed: 1 variant allele.
Comment: MUC19: BP4, BP7